The following is an entry in ClinVar:

NM_001458.5(FLNC):c.5186C>T (p.Pro1729Leu)

Gene: FLNC (filamin C; plus strand). Cytogenetic location: 7q32.1.
Variant type: single nucleotide variant.
Coding change: c.5186C>T on transcript NM_001458.5 (MANE Select); coding-DNA position 5186, C replaced by T.
Protein change: p.Pro1729Leu; replaces proline 1729 with leucine.
Molecular consequence: missense variant.
Genome position (GRCh38, 1-based): chr7:128,849,565, C>T. VCF-style: chr7-128849565-C-T. GRCh37 (hg19) VCF-style: chr7-128489619-C-T.
Other names: c.5186C>T, p.Pro1729Leu (NM_001127487.2); short protein forms P1729L.
Identifiers: ClinVar variation 4842742 (VCV004842742.1).

ClinVar aggregate classification (germline): Uncertain significance (1 of 4 stars; one submission).

Conditions:
Cardiovascular phenotype. Identifiers: MedGen CN230736.

Submission:

Ambry Genetics
Classification: Uncertain significance for Cardiovascular phenotype. Last evaluated: 2026-01-12. Review status: criteria provided, single submitter. Criteria: Ambry Variant Classification Scheme 2023. Collection method: clinical testing. Allele origin: germline.
Comment: The p.P1729L variant (also known as c.5186C>T), located in coding exon 30 of the FLNC gene, results from a C to T substitution at nucleotide position 5186. The proline at codon 1729 is replaced by leucine, an amino acid with similar properties. This amino acid position is conserved. In addition, this alteration is predicted to be deleterious by in silico analysis. Based on the available evidence, the clinical significance of this variant remains unclear.